The following is an entry in ClinVar:

ClinVar aggregate classification (germline): Uncertain significance. Review status: criteria provided, multiple submitters, no conflicts (2 of 4 stars). 2 submissions from 2 submitters: Uncertain significance (2). Last evaluated 2024-09-22.

Conditions:
Immunodeficiency. Identifiers: MedGen C0021051, MONDO:0021094, HP:0002721.

Allele frequency attached by ClinVar (database versions not stated): gnomAD exomes below 0.00001; TOPMed 0.00001; ExAC 0.00002.

Submissions (2):

Labcorp Genetics (formerly Invitae), Labcorp
Classification: Uncertain significance for Immunodeficiency. Last evaluated: 2024-09-22. Review status: criteria provided, single submitter. Criteria: Invitae Variant Classification Sherloc (09022015). Collection method: clinical testing. Allele origin: germline.
Comment: This sequence change replaces glutamic acid, which is acidic and polar, with glycine, which is neutral and non-polar, at codon 1293 of the NFAT5 protein (p.Glu1293Gly). This variant is present in population databases (rs749715617, gnomAD 0.05%), and has an allele count higher than expected for a pathogenic variant. This variant has not been reported in the literature in individuals affected with NFAT5-related conditions. ClinVar contains an entry for this variant (Variation ID: 1989828). An algorithm developed to predict the effect of missense changes on protein structure and function (PolyPhen-2) suggests that this variant is likely to be tolerated. In summary, the available evidence is currently insufficient to determine the role of this variant in disease. Therefore, it has been classified as a Variant of Uncertain Significance.

Ambry Genetics
Classification: Uncertain significance. Last evaluated: 2023-03-17. Review status: criteria provided, single submitter. Criteria: Ambry Variant Classification Scheme 2023. Collection method: clinical testing. Allele origin: germline.

NM_138713.4(NFAT5):c.4160A>G (p.Glu1387Gly)

Gene: NFAT5 (nuclear factor of activated T cells 5; plus strand). Cytogenetic location: 16q22.1.
Variant type: single nucleotide variant.
Coding change: c.4160A>G on transcript NM_138713.4 (MANE Select); coding-DNA position 4160, A replaced by G.
Protein change: p.Glu1387Gly; replaces glutamic acid 1387 with glycine.
Molecular consequence: missense variant.
Genome position (GRCh38, 1-based): chr16:69,693,985, A>G. VCF-style: chr16-69693985-A-G. GRCh37 (hg19) VCF-style: chr16-69727888-A-G.
Other names: c.4157A>G, p.Glu1386Gly (NM_001113178.3); c.3485A>G, p.Glu1162Gly (NM_001367709.1); c.4106A>G, p.Glu1369Gly (NM_006599.4); c.3878A>G, p.Glu1293Gly (NM_138714.4, NM_173214.3, NM_173215.3); c.4160A>G (NM_138713.3); short protein forms E1162G, E1293G, E1369G, E1387G, E1386G.
Identifiers: ClinVar variation 1989828 (VCV001989828.6), dbSNP rs749715617, ClinGen allele CA8136015.